The following is an entry in ClinVar:

NM_000094.4(COL7A1):c.6217-6C>T

Gene: COL7A1 (collagen type VII alpha 1 chain; minus strand). Cytogenetic location: 3p21.31.
Variant type: single nucleotide variant.
Coding change: c.6217-6C>T on transcript NM_000094.4 (MANE Select); 6 bases into the intron before coding-DNA position 6217, C replaced by T.
Molecular consequence: intron variant.
Genome position (GRCh38, 1-based): chr3:48,575,132, G>A on the plus strand (C>T on the coding strand, the complement: COL7A1 is on the minus strand). VCF-style: chr3-48575132-G-A. GRCh37 (hg19) VCF-style: chr3-48612565-G-A.
Identifiers: ClinVar variation 345823 (VCV000345823.17), dbSNP rs191559835, ClinGen allele CA2379143.

ClinVar aggregate classification (germline): Benign/Likely benign. Review status: criteria provided, multiple submitters, no conflicts (2 of 4 stars). 5 submissions from 5 submitters: Benign (3); Likely benign (1). 1 of the submissions does not count toward it. Last evaluated 2026-01-28.

Conditions:
Epidermolysis bullosa dystrophica. Also called: Dystrophic epidermolysis bullosa, Hallopeau-Siemens type (formerly); Dystrophic epidermolysis bullosa. Identifiers: Orphanet 303, MedGen C0079294, MONDO:0006543.

Allele frequency attached by ClinVar (database versions not stated): gnomAD exomes 0.00062 and 0.00146; ExAC 0.00174; 1000 Genomes Project 0.00459; 1000 Genomes Project 30x 0.00468; gnomAD 0.00601 and 0.00648; ESP Exome Variant Server 0.00646; TOPMed 0.00695.
gnomAD v4.1: 1,870 of 1,613,946 alleles (0.12%); highest among the groups gnomAD compares: African/African-American, 2%; 13 homozygotes.

Submissions (5):

Labcorp Genetics (formerly Invitae), Labcorp
Classification: Benign. Last evaluated: 2026-01-28. Review status: criteria provided, single submitter. Criteria: Invitae Variant Classification Sherloc (09022015). Collection method: clinical testing. Allele origin: germline.

Blueprint Genetics
Classification: Likely benign. Last evaluated: 2024-11-25. Review status: criteria provided, single submitter. Criteria: ACMG Guidelines, 2015. Collection method: clinical testing. Allele origin: germline.

Illumina Laboratory Services, Illumina
Classification: Benign for Dystrophic epidermolysis bullosa. Last evaluated: 2018-01-13. Review status: criteria provided, single submitter. Criteria: ICSL Variant Classification Criteria 13 December 2019. Collection method: clinical testing. Allele origin: germline.
Comment: This variant was observed in the ICSL laboratory as part of a predisposition screen in an ostensibly healthy population. It had not been previously curated by ICSL or reported in the Human Gene Mutation Database (HGMD: prior to June 1st, 2018), and was therefore a candidate for classification through an automated scoring system. Utilizing variant allele frequency, disease prevalence and penetrance estimates, and inheritance mode, an automated score was calculated to assess if this variant is too frequent to cause the disease. Based on the score and internal cut-off values, a variant classified as benign is not then subjected to further curation. The score for this variant resulted in a classification of benign for this disease.

Breakthrough Genomics
Classification: Benign. Review status: criteria provided, single submitter. Criteria: ACMG Guidelines, 2015. Collection method: not provided. Allele origin: germline. Inheritance: Autosomal recessive inheritance. Affected: yes.

Natera, Inc.
Classification: Benign for Dystrophic epidermolysis bullosa. Last evaluated: 2020-06-04. Review status: no assertion criteria provided. Collection method: clinical testing. Allele origin: germline. Not counted in ClinVar's aggregate classification.